The following is an entry in ClinVar:

NM_177550.5(SLC13A5):c.8C>G (p.Ser3Trp)

Gene: SLC13A5 (solute carrier family 13 member 5; minus strand). Cytogenetic location: 17p13.1.
Variant type: single nucleotide variant.
Coding change: c.8C>G on transcript NM_177550.5 (MANE Select); coding-DNA position 8, C replaced by G.
Protein change: p.Ser3Trp; replaces serine 3 with tryptophan.
Molecular consequence: missense variant.
Genome position (GRCh38, 1-based): chr17:6,713,326, G>C on the plus strand (C>G on the coding strand, the complement: SLC13A5 is on the minus strand). VCF-style: chr17-6713326-G-C. GRCh37 (hg19) VCF-style: chr17-6616645-G-C.
Other names: c.8C>G, p.Ser3Trp (NM_001143838.3, NM_001284509.2, NM_001284510.2); short protein forms S3W.
Identifiers: ClinVar variation 1964694 (VCV001964694.5), dbSNP rs2544661247, ClinGen allele CA397754120.

ClinVar aggregate classification (germline): Uncertain significance (1 of 4 stars; one submission).

Conditions:
Developmental and epileptic encephalopathy, 25 (DEE25). Also called: Developmental and epileptic encephalopathy 25, with amelogenesis imperfecta; Epileptic encephalopathy, early infantile, 25, with amelogenesis imperfecta; Epileptic encephalopathy, early infantile, 25. Identifiers: Orphanet 442835, MedGen C4014621, MONDO:0014392, OMIM 615905.

Submission:

Labcorp Genetics (formerly Invitae), Labcorp
Classification: Uncertain significance for Developmental and epileptic encephalopathy, 25. Last evaluated: 2022-05-31. Review status: criteria provided, single submitter. Criteria: Invitae Variant Classification Sherloc (09022015). Collection method: clinical testing. Allele origin: germline.
Comment: This sequence change replaces serine, which is neutral and polar, with tryptophan, which is neutral and slightly polar, at codon 3 of the SLC13A5 protein (p.Ser3Trp). This variant is not present in population databases (gnomAD no frequency). This variant has not been reported in the literature in individuals affected with SLC13A5-related conditions. Algorithms developed to predict the effect of missense changes on protein structure and function are either unavailable or do not agree on the potential impact of this missense change (SIFT: "Deleterious"; PolyPhen-2: "Probably Damaging"; Align-GVGD: "Class C0"). In summary, the available evidence is currently insufficient to determine the role of this variant in disease. Therefore, it has been classified as a Variant of Uncertain Significance.